The following is an entry in ClinVar:

ClinVar aggregate classification (germline): Uncertain significance (1 of 4 stars; one submission).

Conditions:
Hereditary lymphedema type I (LMPHM1). Also called: Milroy Disease; Nonne-Milroy disease; Congenital hereditary lymphedema; Early onset lymphedema; Hereditary lymphedema 1; Primary congenital lymphedema. Identifiers: Orphanet 79452, MedGen C1704423, MONDO:0007919, OMIM 153100.

gnomAD v4.1: 41 of 1,613,090 alleles (0.0025%); highest among the groups gnomAD compares: Middle Eastern, 0.016%; no homozygotes.

Submission:

Clinical Genomics Laboratory, Washington University in St. Louis
Classification: Uncertain significance for Hereditary lymphedema type I. Last evaluated: 2025-01-06. Review status: criteria provided, single submitter. Criteria: ACMG Guidelines, 2015. Collection method: clinical testing. Allele origin: germline.
Comment: A FLT4 c.298G>A (p.Glu100Lys) variant was identified at a near heterozygous allelic fraction of 49.9%, a frequency that may be consistent with its germline origin. To our knowledge, this variant has not been reported in the medical literature or the ClinVar database. This variant is observed on 41/1,613,090 alleles in the general population (gnomAD v4.1.0). Computational predictors suggest that the variant does not impact the FLT4 function. Due to limited information and based on the ACMG/AMP guidelines for variant interpretation (Richards S et al., PMID: 25741868), the clinical significance of the FLT4 c.298G>A (p.Glu100Lys) variant is uncertain at this time.

NM_182925.5(FLT4):c.298G>A (p.Glu100Lys)

Gene: FLT4 (fms related receptor tyrosine kinase 4; minus strand). Cytogenetic location: 5q35.3.
Variant type: single nucleotide variant.
Coding change: c.298G>A on transcript NM_182925.5 (MANE Select); coding-DNA position 298, G replaced by A.
Protein change: p.Glu100Lys; replaces glutamic acid 100 with lysine.
Molecular consequence: missense variant.
Genome position (GRCh38, 1-based): chr5:180,630,657, C>T on the plus strand (G>A on the coding strand, the complement: FLT4 is on the minus strand). VCF-style: chr5-180630657-C-T. GRCh37 (hg19) VCF-style: chr5-180057657-C-T.
Other names: c.298G>A, p.Glu100Lys (NM_001354989.2, NM_002020.5); short protein forms E100K.
Identifiers: ClinVar variation 4279895 (VCV004279895.1).